The following is an entry in ClinVar:

ClinVar aggregate classification (germline): Likely pathogenic (1 of 4 stars; one submission).

gnomAD v4.1: 2 of 1,610,430 alleles (0.00012%); highest among the groups gnomAD compares: Non-Finnish European, 0.00017%; no homozygotes.

Submission:

CeGaT Center for Human Genetics Tuebingen
Classification: Likely pathogenic. Last evaluated: 2025-01-01. Review status: criteria provided, single submitter. Criteria: CeGaT Center For Human Genetics Tuebingen Variant Classification Criteria Version 2. Collection method: clinical testing. Allele origin: germline. Affected: yes. Observed: 1 variant allele.
Comment: PAH: PM2, PP4:Moderate, PM3:Supporting, PP3, PS1:Supporting

NM_000277.3(PAH):c.441+5G>C

Gene: PAH (phenylalanine hydroxylase; minus strand). Cytogenetic location: 12q23.2.
Variant type: single nucleotide variant.
Coding change: c.441+5G>C on transcript NM_000277.3 (MANE Select); 5 bases into the intron after coding-DNA position 441, G replaced by C.
Molecular consequence: intron variant.
Genome position (GRCh38, 1-based): chr12:102,877,457, C>G on the plus strand (G>C on the coding strand, the complement: PAH is on the minus strand). VCF-style: chr12-102877457-C-G. GRCh37 (hg19) VCF-style: chr12-103271235-C-G.
Other names: c.441+5G>C (NM_001354304.2).
Identifiers: ClinVar variation 3772285 (VCV003772285.13).
Genomic context (GRCh38, chr12:102,877,457, plus strand): 5'-AGAGGAAGGGAGGGGAGTGGAGGAGAGGCACTGAAAAAATCTCATCCTACGGGCCATGGA[C>G]TCACAGGGTGGTCAGCATCCAGTTCCGCTCCATAGCTGAGAATCTGATTGGCAAATCTGT-3'